The following is an entry in ClinVar:

NM_001145860.2(POP1):c.163C>T (p.Arg55Ter)

Gene: POP1 (POP1 ribonuclease P/MRP subunit; plus strand). Cytogenetic location: 8q22.2.
Variant type: single nucleotide variant.
Coding change: c.163C>T on transcript NM_001145860.2 (MANE Select); coding-DNA position 163, C replaced by T.
Protein change: p.Arg55Ter; replaces arginine 55 with a stop codon.
Molecular consequence: nonsense.
Genome position (GRCh38, 1-based): chr8:98,127,615, C>T. VCF-style: chr8-98127615-C-T. GRCh37 (hg19) VCF-style: chr8-99139843-C-T.
Other names: c.163C>T, p.Arg55Ter (NM_001145861.2, NM_015029.3); short protein forms R55*.
Identifiers: ClinVar variation 285622 (VCV000285622.8), dbSNP rs370453487, ClinGen allele CA4820253.

ClinVar aggregate classification (germline): Conflicting classifications of pathogenicity. Review status: criteria provided, conflicting classifications (1 of 4 stars). 2 submissions from 2 submitters: Pathogenic (1); Uncertain significance (1). Last evaluated 2025-01-02.

Allele frequency attached by ClinVar (database versions not stated): gnomAD 0.00004 and 0.00006; gnomAD exomes 0.00004 and 0.00008; TOPMed 0.00004; ESP Exome Variant Server 0.00008; ExAC 0.00010; 1000 Genomes Project 30x 0.00031; 1000 Genomes Project 0.00040.

Submissions (2):

Labcorp Genetics (formerly Invitae), Labcorp
Classification: Pathogenic. Last evaluated: 2025-01-02. Review status: criteria provided, single submitter. Criteria: Invitae Variant Classification Sherloc (09022015). Collection method: clinical testing. Allele origin: germline.
Comment: This sequence change creates a premature translational stop signal (p.Arg55*) in the POP1 gene. It is expected to result in an absent or disrupted protein product. Loss-of-function variants in POP1 are known to be pathogenic (PMID: 21455487). This variant is present in population databases (rs370453487, gnomAD 0.06%). This variant has not been reported in the literature in individuals affected with POP1-related conditions. ClinVar contains an entry for this variant (Variation ID: 285622). Algorithms developed to predict the effect of sequence changes on RNA splicing suggest that this variant may disrupt the consensus splice site. For these reasons, this variant has been classified as Pathogenic.

Eurofins Ntd Llc (ga)
Classification: Uncertain significance. Last evaluated: 2016-01-05. Review status: criteria provided, single submitter. Criteria: EGL Classification Definitions 2015. Collection method: clinical testing. Allele origin: germline. Observed: 1 variant allele, 1 heterozygote.

Literature cited by the submitters: PubMed 21455487 (cited by Labcorp Genetics (formerly Invitae), Labcorp).